The following is an entry in ClinVar:

ClinVar aggregate classification (germline): Uncertain significance (1 of 4 stars; one submission).

Submission:

Labcorp Genetics (formerly Invitae), Labcorp
Classification: Uncertain significance. Last evaluated: 2025-04-17. Review status: criteria provided, single submitter. Criteria: Invitae Variant Classification Sherloc (09022015). Collection method: clinical testing. Allele origin: germline.
Comment: This sequence change creates a premature translational stop signal (p.Pro194Leufs*7) in the GNB3 gene. It is expected to result in an absent or disrupted protein product. However, the current clinical and genetic evidence is not sufficient to establish whether loss-of-function variants in GNB3 cause disease. This variant is present in population databases (no rsID available, gnomAD 0.0009%). This variant has not been reported in the literature in individuals affected with GNB3-related conditions. ClinVar contains an entry for this variant (Variation ID: 949616). In summary, the available evidence is currently insufficient to determine the role of this variant in disease. Therefore, it has been classified as a Variant of Uncertain Significance.

NM_002075.4(GNB3):c.581_594del (p.Pro194fs)

Gene: GNB3 (G protein subunit beta 3; plus strand). Cytogenetic location: 12p13.31.
Variant type: Deletion.
Coding change: c.581_594del on transcript NM_002075.4 (MANE Select); coding-DNA positions 581 to 594, 14 bases deleted (CTGACTTCAATCTC).
Protein change: p.Pro194fs; shifts the reading frame from proline 194.
Molecular consequence: frameshift variant.
Genome position (GRCh38, 1-based): chr12:6,843,860-6,843,873, CTGACTTCAATCTC deleted; deleting any 14 consecutive bases within chr12:6,843,856-6,843,873 gives the same sequence; the c. name uses the placement nearest the transcript's 3' end. VCF-style (leftmost placement, unchanged base first): chr12-6843855-GTCTCCTGACTTCAA-G. GRCh37 (hg19) VCF-style: chr12-6953019-GTCTCCTGACTTCAA-G.
Other names: c.578_591del, p.Pro193fs (NM_001297571.2); short protein forms P194fs, P193fs.
Identifiers: ClinVar variation 949616 (VCV000949616.7), dbSNP rs1287236884, ClinGen allele CA603486180.